The following is an entry in ClinVar:

NM_004360.5(CDH1):c.836C>T (p.Thr279Ile)

Gene: CDH1 (cadherin 1; plus strand). Cytogenetic location: 16q22.1.
Variant type: single nucleotide variant.
Coding change: c.836C>T on transcript NM_004360.5 (MANE Select); coding-DNA position 836, C replaced by T.
Protein change: p.Thr279Ile; replaces threonine 279 with isoleucine.
Molecular consequence: missense variant. On other transcripts: 5 prime UTR variant (2).
Genome position (GRCh38, 1-based): chr16:68,811,687, C>T. VCF-style: chr16-68811687-C-T. GRCh37 (hg19) VCF-style: chr16-68845590-C-T.
Other names: c.836C>T, p.Thr279Ile (NM_001317184.2); c.-780C>T (NM_001317185.2); c.-984C>T (NM_001317186.2); short protein forms T279I.
Identifiers: ClinVar variation 3829986 (VCV003829986.1).

ClinVar aggregate classification (germline): Uncertain significance (1 of 4 stars; one submission).

Conditions:
Hereditary cancer-predisposing syndrome. Also called: Hereditary neoplastic syndrome; Neoplastic Syndromes, Hereditary; Tumor predisposition; Hereditary Cancer Syndrome. Identifiers: Orphanet 140162, MedGen C0027672, MeSH D009386, MONDO:0015356.

Submission:

Ambry Genetics
Classification: Uncertain significance for Hereditary cancer-predisposing syndrome. Last evaluated: 2025-01-27. Review status: criteria provided, single submitter. Criteria: Ambry Variant Classification Scheme 2023. Collection method: clinical testing. Allele origin: germline.
Comment: The p.T279I variant (also known as c.836C>T), located in coding exon 7 of the CDH1 gene, results from a C to T substitution at nucleotide position 836. The threonine at codon 279 is replaced by isoleucine, an amino acid with similar properties. This amino acid position is well conserved in available vertebrate species. In addition, this alteration is predicted to be deleterious by in silico analysis. Based on the available evidence, the clinical significance of this variant remains unclear.